The following is an entry in ClinVar:

ClinVar aggregate classification (germline): Uncertain significance (1 of 4 stars; one submission).

Allele frequency attached by ClinVar (database versions not stated): gnomAD exomes below 0.00001 and 0.00001; gnomAD 0.00001.
gnomAD v4.1: 6 of 1,613,822 alleles (0.00037%); highest among the groups gnomAD compares: Non-Finnish European, 0.00042%; no homozygotes.

Submission:

Labcorp Genetics (formerly Invitae), Labcorp
Classification: Uncertain significance. Last evaluated: 2025-05-13. Review status: criteria provided, single submitter. Criteria: Invitae Variant Classification Sherloc (09022015). Collection method: clinical testing. Allele origin: germline.
Comment: This sequence change falls in intron 26 of the COL2A1 gene. It does not directly change the encoded amino acid sequence of the COL2A1 protein. It affects a nucleotide within the consensus splice site. This variant is present in population databases (no rsID available, gnomAD 0.002%). This variant has not been reported in the literature in individuals affected with COL2A1-related conditions. ClinVar contains an entry for this variant (Variation ID: 1408195). Variants that disrupt the consensus splice site are a relatively common cause of aberrant splicing (PMID: 17576681, 9536098). Algorithms developed to predict the effect of sequence changes on RNA splicing suggest that this variant may disrupt the consensus splice site. In summary, the available evidence is currently insufficient to determine the role of this variant in disease. Therefore, it has been classified as a Variant of Uncertain Significance.

Literature cited by the submitters: PubMed 17576681; PubMed 9536098.

NM_001844.5(COL2A1):c.1734+3A>G

Gene: COL2A1 (collagen type II alpha 1 chain; minus strand). Cytogenetic location: 12q13.11.
Variant type: single nucleotide variant.
Coding change: c.1734+3A>G on transcript NM_001844.5 (MANE Select); 3 bases into the intron after coding-DNA position 1734, A replaced by G.
Molecular consequence: intron variant.
Genome position (GRCh38, 1-based): chr12:47,985,531, T>C on the plus strand (A>G on the coding strand, the complement: COL2A1 is on the minus strand). VCF-style: chr12-47985531-T-C. GRCh37 (hg19) VCF-style: chr12-48379314-T-C.
Other names: c.1527+3A>G (NM_033150.3).
Identifiers: ClinVar variation 1408195 (VCV001408195.6), dbSNP rs1057521852, ClinGen allele CA605231709.